The following is an entry in ClinVar:

NM_144670.6(A2ML1):c.2885G>A (p.Gly962Asp)

Gene: A2ML1 (alpha-2-macroglobulin like 1; plus strand). Cytogenetic location: 12p13.31.
Variant type: single nucleotide variant.
Coding change: c.2885G>A on transcript NM_144670.6 (MANE Select); coding-DNA position 2885, G replaced by A.
Protein change: p.Gly962Asp; replaces glycine 962 with aspartic acid.
Molecular consequence: missense variant.
Genome position (GRCh38, 1-based): chr12:8,857,200, G>A. VCF-style: chr12-8857200-G-A. GRCh37 (hg19) VCF-style: chr12-9009796-G-A.
Other names: c.1412G>A, p.Gly471Asp (NM_001282424.3); short protein forms G962D, G471D.
Identifiers: ClinVar variation 952825 (VCV000952825.9), dbSNP rs767222884, ClinGen allele CA6436194.

ClinVar aggregate classification (germline): Uncertain significance (1 of 4 stars; one submission).

Allele frequency attached by ClinVar (database versions not stated): ExAC 0.00001; gnomAD exomes 0.00001 and 0.00006; TOPMed 0.00001.
gnomAD v4.1: 88 of 1,612,758 alleles (0.0055%); highest among the groups gnomAD compares: Non-Finnish European, 0.0074%; no homozygotes.

Submission:

Labcorp Genetics (formerly Invitae), Labcorp
Classification: Uncertain significance. Last evaluated: 2023-06-02. Review status: criteria provided, single submitter. Criteria: Invitae Variant Classification Sherloc (09022015). Collection method: clinical testing. Allele origin: germline.
Comment: This sequence change replaces glycine, which is neutral and non-polar, with aspartic acid, which is acidic and polar, at codon 962 of the A2ML1 protein (p.Gly962Asp). This variant is present in population databases (rs767222884, gnomAD 0.003%). This variant has not been reported in the literature in individuals affected with A2ML1-related conditions. ClinVar contains an entry for this variant (Variation ID: 952825). An algorithm developed to predict the effect of missense changes on protein structure and function (PolyPhen-2) suggests that this variant is likely to be tolerated. In summary, the available evidence is currently insufficient to determine the role of this variant in disease. Therefore, it has been classified as a Variant of Uncertain Significance.